The following is an entry in ClinVar:

NM_001128431.4(SLC39A14):c.321G>A (p.Ser107=)

Gene: SLC39A14 (solute carrier family 39 member 14; plus strand). Cytogenetic location: 8p21.3.
Variant type: single nucleotide variant.
Coding change: c.321G>A on transcript NM_001128431.4 (MANE Select); coding-DNA position 321, G replaced by A.
Protein change: p.Ser107=; no amino-acid change (serine 107 retained).
Molecular consequence: synonymous variant.
Genome position (GRCh38, 1-based): chr8:22,408,360, G>A. VCF-style: chr8-22408360-G-A. GRCh37 (hg19) VCF-style: chr8-22265873-G-A.
Other names: c.321G>A (NM_015359.4); c.321G>A, p.Ser107= (NM_001135153.3, NM_001135154.3, NM_001351655.2 and 3 more transcripts); c.351G>A, p.Ser117= (NM_001351657.2, NM_001351658.2, NM_001351659.2).
Identifiers: ClinVar variation 2047028 (VCV002047028.32), dbSNP rs138114438, ClinGen allele CA4667281.

ClinVar aggregate classification (germline): Likely benign. Review status: criteria provided, multiple submitters, no conflicts (2 of 4 stars). 3 submissions from 3 submitters: Likely benign (2). 1 of the submissions does not count toward it. Last evaluated 2026-09-01.

Conditions:
SLC39A14-related disorder. Also called: SLC39A14-related condition.

Allele frequency attached by ClinVar (database versions not stated): ExAC 0.00006; gnomAD exomes 0.00009; TOPMed 0.00009; gnomAD 0.00012; ESP Exome Variant Server 0.00015.
gnomAD v4.1: 149 of 1,614,082 alleles (0.0092%); highest among the groups gnomAD compares: Non-Finnish European, 0.012%; 1 homozygote.

Submissions (3):

CeGaT Center for Human Genetics Tuebingen
Classification: Likely benign. Last evaluated: 2026-09-01. Review status: criteria provided, single submitter. Criteria: CeGaT Center For Human Genetics Tuebingen Variant Classification Criteria Version 2. Collection method: clinical testing. Allele origin: germline. Affected: yes. Observed: 3 variant alleles.
Comment: SLC39A14: BP4, BP7

Labcorp Genetics (formerly Invitae), Labcorp
Classification: Likely benign. Last evaluated: 2026-01-06. Review status: criteria provided, single submitter. Criteria: Invitae Variant Classification Sherloc (09022015). Collection method: clinical testing. Allele origin: germline.

PreventionGenetics, part of Exact Sciences
Classification: Likely benign for SLC39A14-related condition. Last evaluated: 2019-03-14. Review status: no assertion criteria provided. Collection method: clinical testing. Allele origin: germline. Not counted in ClinVar's aggregate classification.
Comment: This variant is classified as likely benign based on ACMG/AMP sequence variant interpretation guidelines (Richards et al. 2015 PMID: 25741868, with internal and published modifications).